The following is an entry in ClinVar:

NM_001042492.3(NF1):c.4510G>A (p.Val1504Met)

Gene: NF1 (neurofibromin 1; plus strand). Cytogenetic location: 17q11.2.
Variant type: single nucleotide variant.
Coding change: c.4510G>A on transcript NM_001042492.3 (MANE Select); coding-DNA position 4510, G replaced by A.
Protein change: p.Val1504Met; replaces valine 1504 with methionine.
Molecular consequence: missense variant.
Genome position (GRCh38, 1-based): chr17:31,260,448, G>A. VCF-style: chr17-31260448-G-A. GRCh37 (hg19) VCF-style: chr17-29587466-G-A.
Other names: c.4447G>A, p.Val1483Met (NM_000267.4); short protein forms V1504M, V1483M.
Identifiers: ClinVar variation 480168 (VCV000480168.13), dbSNP rs1555618839, ClinGen allele CA398999602.

ClinVar aggregate classification (germline): Uncertain significance. Review status: criteria provided, multiple submitters, no conflicts (2 of 4 stars). 3 submissions from 3 submitters: Uncertain significance (3). Last evaluated 2022-03-15.

Conditions:
Cardiovascular phenotype. Identifiers: MedGen CN230736.
Hereditary cancer-predisposing syndrome. Also called: Hereditary neoplastic syndrome; Neoplastic Syndromes, Hereditary; Tumor predisposition; Hereditary Cancer Syndrome. Identifiers: Orphanet 140162, MedGen C0027672, MeSH D009386, MONDO:0015356.
Neurofibromatosis, type 1 (NF1). Also called: VON RECKLINGHAUSEN DISEASE; Peripheral type neurofibromatosis; NEUROFIBROMATOSIS, TYPE I, SOMATIC; Neurofibromatosis, type I. Identifiers: Orphanet 636, MedGen C0027831, MONDO:0018975, OMIM 162200. Disease mechanism: loss of function.

Submissions (3):

Genome-Nilou Lab
Classification: Uncertain significance for Neurofibromatosis, type 1. Last evaluated: 2022-03-15. Review status: criteria provided, single submitter. Criteria: ACMG Guidelines, 2015. Collection method: clinical testing. Allele origin: germline. Affected: no.

Labcorp Genetics (formerly Invitae), Labcorp
Classification: Uncertain significance for Neurofibromatosis, type 1. Last evaluated: 2021-04-02. Review status: criteria provided, single submitter. Criteria: Invitae Variant Classification Sherloc (09022015). Collection method: clinical testing. Allele origin: germline.
Comment: This sequence change replaces valine with methionine at codon 1483 of the NF1 protein (p.Val1483Met). The valine residue is moderately conserved and there is a small physicochemical difference between valine and methionine. This variant is not present in population databases (ExAC no frequency). This variant has not been reported in the literature in individuals with NF1-related conditions. ClinVar contains an entry for this variant (Variation ID: 480168). Advanced modeling of protein sequence and biophysical properties (such as structural, functional, and spatial information, amino acid conservation, physicochemical variation, residue mobility, and thermodynamic stability) performed at Invitae indicates that this missense variant is expected to disrupt NF1 protein function. In summary, the available evidence is currently insufficient to determine the role of this variant in disease. Therefore, it has been classified as a Variant of Uncertain Significance.

Ambry Genetics
Classification: Uncertain significance for Cardiovascular phenotype; Hereditary cancer-predisposing syndrome. Last evaluated: 2016-10-26. Review status: criteria provided, single submitter. Criteria: Ambry Variant Classification Scheme 2023. Collection method: clinical testing. Allele origin: germline.
Comment: The p.V1483M variant (also known as c.4447G>A), located in coding exon 33 of the NF1 gene, results from a G to A substitution at nucleotide position 4447. The valine at codon 1483 is replaced by methionine, an amino acid with highly similar properties. This variant was not reported in population based cohorts in the following databases: Database of Single Nucleotide Polymorphisms (dbSNP), NHLBI Exome Sequencing Project (ESP), and 1000 Genomes Project. In the ESP, this variant was not observed in 6503 samples (13006 alleles) with coverage at this position. To date, this alteration has been detected with an allele frequency of approximately 0.001% (greater than 175000 alleles tested) in our clinical cohort. This amino acid position is highly conserved in available vertebrate species. In addition, this alteration is predicted to be deleterious by in silico analysis. Since supporting evidence is limited at this time, the clinical significance of this alteration remains unclear.